The following is an entry in ClinVar:

NM_002834.5(PTPN11):c.1379+6A>C

Gene: PTPN11 (protein tyrosine phosphatase non-receptor type 11; plus strand). Cytogenetic location: 12q24.13.
Variant type: single nucleotide variant.
Coding change: c.1379+6A>C on transcript NM_002834.5 (MANE Select); 6 bases into the intron after coding-DNA position 1379, A replaced by C.
Molecular consequence: intron variant. On other transcripts: 3 prime UTR variant (1).
Genome position (GRCh38, 1-based): chr12:112,486,635, A>C. VCF-style: chr12-112486635-A-C. GRCh37 (hg19) VCF-style: chr12-112924439-A-C.
Other names: c.*2A>C (NM_080601.3); c.1391+6A>C (NM_001330437.2); c.1376+6A>C (NM_001374625.1).
Identifiers: ClinVar variation 2073393 (VCV002073393.4), dbSNP rs746958309, ClinGen allele CA2580085823.

ClinVar aggregate classification (germline): Uncertain significance (1 of 4 stars; one submission).

Conditions:
RASopathy. Also called: rasopathies; Noonan spectrum disorder. Identifiers: Orphanet 536391, MedGen C5555857, MONDO:0021060.

Submission:

Labcorp Genetics (formerly Invitae), Labcorp
Classification: Uncertain significance for RASopathy. Last evaluated: 2022-12-06. Review status: criteria provided, single submitter. Criteria: Invitae Variant Classification Sherloc (09022015). Collection method: clinical testing. Allele origin: germline.
Comment: Variants that disrupt the consensus splice site are a relatively common cause of aberrant splicing (PMID: 17576681, 9536098). Algorithms developed to predict the effect of sequence changes on RNA splicing suggest that this variant is not likely to affect RNA splicing. In summary, the available evidence is currently insufficient to determine the role of this variant in disease. Therefore, it has been classified as a Variant of Uncertain Significance. This variant has not been reported in the literature in individuals affected with PTPN11-related conditions. This sequence change falls in intron 11 of the PTPN11 gene. It does not directly change the encoded amino acid sequence of the PTPN11 protein. It affects a nucleotide within the consensus splice site. This variant is not present in population databases (gnomAD no frequency).

Literature cited by the submitters: PubMed 17576681; PubMed 9536098.